The following is an entry in ClinVar:

NM_176869.3(PPA2):c.383A>G (p.Tyr128Cys)

Gene: PPA2 (inorganic pyrophosphatase 2; minus strand). Cytogenetic location: 4q24.
Variant type: single nucleotide variant.
Coding change: c.383A>G on transcript NM_176869.3 (MANE Select); coding-DNA position 383, A replaced by G.
Protein change: p.Tyr128Cys; replaces tyrosine 128 with cysteine.
Molecular consequence: missense variant. On other transcripts: intron variant (2).
Genome position (GRCh38, 1-based): chr4:105,446,441, T>C on the plus strand (A>G on the coding strand, the complement: PPA2 is on the minus strand). VCF-style: chr4-105446441-T-C. GRCh37 (hg19) VCF-style: chr4-106367598-T-C.
Other names: c.383A>G, p.Tyr128Cys (NM_006903.4); c.157+27453A>G (NM_176867.3); c.222+10240A>G (NM_176866.2); short protein forms Y128C.
Identifiers: ClinVar variation 2120111 (VCV002120111.4), dbSNP rs764722908, ClinGen allele CA3032563.

ClinVar aggregate classification (germline): Uncertain significance (1 of 4 stars; one submission).

Allele frequency attached by ClinVar (database versions not stated): ExAC 0.00001.
gnomAD v4.1: 1 of 1,606,510 alleles (0.000062%); highest among the groups gnomAD compares: Non-Finnish European, 0.000085%; no homozygotes.

Submission:

Labcorp Genetics (formerly Invitae), Labcorp
Classification: Uncertain significance. Last evaluated: 2022-04-01. Review status: criteria provided, single submitter. Criteria: Invitae Variant Classification Sherloc (09022015). Collection method: clinical testing. Allele origin: germline.
Comment: This sequence change replaces tyrosine, which is neutral and polar, with cysteine, which is neutral and slightly polar, at codon 128 of the PPA2 protein (p.Tyr128Cys). This variant is present in population databases (rs764722908, gnomAD 0.0009%). This variant has not been reported in the literature in individuals affected with PPA2-related conditions. Algorithms developed to predict the effect of missense changes on protein structure and function (SIFT, PolyPhen-2, Align-GVGD) all suggest that this variant is likely to be disruptive. In summary, the available evidence is currently insufficient to determine the role of this variant in disease. Therefore, it has been classified as a Variant of Uncertain Significance.